The following is an entry in ClinVar:

ClinVar aggregate classification (germline): Uncertain significance. Review status: criteria provided, multiple submitters, no conflicts (2 of 4 stars). 2 submissions from 2 submitters: Uncertain significance (2). Last evaluated 2025-04-17.

Conditions:
Inborn genetic diseases. Identifiers: MedGen C0950123, MeSH D030342.

Allele frequency attached by ClinVar (database versions not stated): TOPMed 0.00001; ExAC 0.00004.
gnomAD v4.1: 9 of 1,614,030 alleles (0.00056%); highest among the groups gnomAD compares: Admixed American, 0.015%; no homozygotes.

Submissions (2):

Ambry Genetics
Classification: Uncertain significance for Inborn genetic diseases. Last evaluated: 2025-04-17. Review status: criteria provided, single submitter. Criteria: Ambry Variant Classification Scheme 2023. Collection method: clinical testing. Allele origin: germline.

Labcorp Genetics (formerly Invitae), Labcorp
Classification: Uncertain significance. Last evaluated: 2022-01-26. Review status: criteria provided, single submitter. Criteria: Invitae Variant Classification Sherloc (09022015). Collection method: clinical testing. Allele origin: germline.
Comment: Algorithms developed to predict the effect of missense changes on protein structure and function are either unavailable or do not agree on the potential impact of this missense change (SIFT: "Deleterious"; PolyPhen-2: "Benign"; Align-GVGD: "Class C15"). ClinVar contains an entry for this variant (Variation ID: 965121). This variant has not been reported in the literature in individuals affected with IMPG2-related conditions. This variant is present in population databases (rs746968834, gnomAD 0.02%). This sequence change replaces alanine, which is neutral and non-polar, with aspartic acid, which is acidic and polar, at codon 419 of the IMPG2 protein (p.Ala419Asp). In summary, the available evidence is currently insufficient to determine the role of this variant in disease. Therefore, it has been classified as a Variant of Uncertain Significance.

NM_016247.4(IMPG2):c.1256C>A (p.Ala419Asp)

Gene: IMPG2 (interphotoreceptor matrix proteoglycan 2; minus strand). Cytogenetic location: 3q12.3.
Variant type: single nucleotide variant.
Coding change: c.1256C>A on transcript NM_016247.4 (MANE Select); coding-DNA position 1256, C replaced by A.
Protein change: p.Ala419Asp; replaces alanine 419 with aspartic acid.
Molecular consequence: missense variant.
Genome position (GRCh38, 1-based): chr3:101,246,089, G>T on the plus strand (C>A on the coding strand, the complement: IMPG2 is on the minus strand). VCF-style: chr3-101246089-G-T. GRCh37 (hg19) VCF-style: chr3-100964933-G-T.
Other names: short protein forms A419D.
Identifiers: ClinVar variation 965121 (VCV000965121.11), dbSNP rs746968834, ClinGen allele CA2519203.